The following is an entry in ClinVar:

NM_000219.6(KCNE1):c.131C>A (p.Ala44Asp)

Gene: KCNE1 (potassium voltage-gated channel subfamily E regulatory subunit 1; minus strand). Cytogenetic location: 21q22.12.
Variant type: single nucleotide variant.
Coding change: c.131C>A on transcript NM_000219.6 (MANE Select); coding-DNA position 131, C replaced by A.
Protein change: p.Ala44Asp; replaces alanine 44 with aspartic acid.
Molecular consequence: missense variant.
Genome position (GRCh38, 1-based): chr21:34,449,504, G>T on the plus strand (C>A on the coding strand, the complement: KCNE1 is on the minus strand). VCF-style: chr21-34449504-G-T. GRCh37 (hg19) VCF-style: chr21-35821802-G-T.
Other names: c.131C>A, p.Ala44Asp (NM_001127668.4, NM_001127669.4, NM_001127670.4 and 4 more transcripts); short protein forms A44D.
Identifiers: ClinVar variation 3374126 (VCV003374126.2).

Conditions:
Long QT syndrome 5 (LQT5). Identifiers: Orphanet 101016, Orphanet 768, MedGen C1867904, MONDO:0013372, OMIM 613695.

Submission:

Roden Lab, Vanderbilt University Medical Center
No classification provided (evidence only). Condition: Long QT syndrome 5. Review status: no classification provided. Collection method: in vitro. Allele origin: not applicable. Functional consequence: Effect on ion channel function.
ClinVar note: "not provided" was previously submitted as the classification for the variant. However, the classification appeared to be based only on an observation of functional data so it was converted to no classification on 2025-07-30.